The following is an entry in ClinVar:

NM_006231.4(POLE):c.5576_5579del (p.Leu1859fs)

Gene: POLE (DNA polymerase epsilon, catalytic subunit; minus strand). Cytogenetic location: 12q24.33.
Variant type: Deletion.
Coding change: c.5576_5579del on transcript NM_006231.4 (MANE Select); coding-DNA positions 5576 to 5579, 4 bases deleted (TGGG; older notation c.5576_5579delTGGG).
Protein change: p.Leu1859fs; shifts the reading frame from leucine 1859.
Molecular consequence: frameshift variant.
Genome position (GRCh38, 1-based): chr12:132,638,113-132,638,116, CCCA deleted on the plus strand (TGGG on the coding strand, the reverse complement: POLE is on the minus strand). VCF-style (leftmost placement, unchanged base first): chr12-132638112-CCCCA-C. GRCh37 (hg19) VCF-style: chr12-133214698-CCCCA-C.
Other names: short protein forms L1859fs.
Identifiers: ClinVar variation 2197564 (VCV002197564.4), dbSNP rs2541868865, ClinGen allele CA2580086150.

ClinVar aggregate classification (germline): Pathogenic (1 of 4 stars; one submission).

Allele frequency attached by ClinVar (database versions not stated): gnomAD exomes below 0.00001.

Submission:

Labcorp Genetics (formerly Invitae), Labcorp
Classification: Pathogenic. Last evaluated: 2022-05-23. Review status: criteria provided, single submitter. Criteria: Invitae Variant Classification Sherloc (09022015). Collection method: clinical testing. Allele origin: germline.
Comment: This variant is not present in population databases (gnomAD no frequency). For these reasons, this variant has been classified as Pathogenic. This variant has not been reported in the literature in individuals affected with POLE-related conditions. This sequence change creates a premature translational stop signal (p.Leu1859Argfs*44) in the POLE gene. It is expected to result in an absent or disrupted protein product. Loss-of-function variants in POLE are known to be pathogenic (PMID: 23230001, 25948378, 30503519).

Literature cited by the submitters: PubMed 23230001; PubMed 25948378; PubMed 30503519.